The following is an entry in ClinVar:

ClinVar aggregate classification (germline): Uncertain significance (1 of 4 stars; one submission).

Submission:

GeneDx
Classification: Uncertain significance. Last evaluated: 2026-04-06. Review status: criteria provided, single submitter. Criteria: GeneDx Variant Classification Process June 2021. Collection method: clinical testing. Allele origin: germline.
Comment: Not observed at significant frequency in large population cohorts (gnomAD); In silico analysis supports that this missense variant has a deleterious effect on protein structure/function; Missense variant in a gene in which most reported pathogenic variants are truncating/loss of function; Has not been previously published as pathogenic or benign to our knowledge

NM_004006.3(DMD):c.9665T>C (p.Val3222Ala)

Gene: DMD (dystrophin; minus strand). Cytogenetic location: Xp21.2.
Variant type: single nucleotide variant.
Coding change: c.9665T>C on transcript NM_004006.3 (MANE Select); coding-DNA position 9665, T replaced by C.
Protein change: p.Val3222Ala; replaces valine 3222 with alanine.
Molecular consequence: missense variant.
Genome position (GRCh38, 1-based): chrX:31,204,103, A>G on the plus strand (T>C on the coding strand, the complement: DMD is on the minus strand). VCF-style: chrX-31204103-A-G. GRCh37 (hg19) VCF-style: chrX-31222220-A-G.
Other names: c.9641T>C, p.Val3214Ala (NM_000109.4); c.9653T>C, p.Val3218Ala (NM_004009.3); c.9296T>C, p.Val3099Ala (NM_004010.3); c.5642T>C, p.Val1881Ala (NM_004011.4); c.5633T>C, p.Val1878Ala (NM_004012.4); c.2285T>C, p.Val762Ala (NM_004013.3, NM_004020.4, NM_004021.3 and 2 more transcripts); c.1478T>C, p.Val493Ala (NM_004014.3); c.461T>C, p.Val154Ala (NM_004015.3, NM_004016.3, NM_004017.3 and 2 more transcripts); short protein forms V154A, V1878A, V1881A, V3099A, V3214A, V3218A, V3222A, V493A.
Identifiers: ClinVar variation 5018219 (VCV005018219.1).
Genomic context (GRCh38, chrX:31,204,103, plus strand): 5'-ATAGAATCATGCAGAAGGAGGCCCAGCCTGCGCTGGTCACAAAATCCTGTTGAACTTGCC[A>G]CTTGCTTGAAAAGGTCTACAAAGGAAGAAGAAAATTGCAACAGTCAAAACACAGCACCCA-3'
Protein context (NP_003997.2, residues 3212-3232): EDKYRYLFKQ[Val3222Ala]ASSTGFCDQR